The following is an entry in ClinVar:

NM_001903.5(CTNNA1):c.2709_*44dup (p.Met903_Ter907=)

Gene: CTNNA1 (catenin alpha 1; plus strand). Cytogenetic location: 5q31.2.
Variant type: Duplication.
Coding change: c.2709_*44dup on transcript NM_001903.5 (MANE Select); coding-DNA position 2709 through 44 bases downstream of the stop codon, 57 bases duplicated.
Protein change: p.Met903_Ter907=.
Molecular consequence: no sequence alteration. On other transcripts: 3 prime UTR variant (5).
Genome position (GRCh38, 1-based): chr5:138,934,077-138,934,133, 57 bases duplicated. GRCh37 (hg19): chr5:138,269,766-138,269,822.
Other names: c.*254_*310dup (NM_001290307.3, NM_001324002.1, NM_001324003.1 and 2 more transcripts); c.2400_*44dup, p.Met800_Ter804= (NM_001290309.3); c.2340_*44dup, p.Met780_Ter784= (NM_001290310.3); c.1599_*44dup, p.Met533_Ter537= (NM_001290312.1, NM_001323987.1, NM_001323988.1 and 12 more transcripts); c.2709_*44dup, p.Met903_Ter907= (NM_001323982.2, NM_001323983.1, NM_001323984.2); c.2682_*44dup, p.Met894_Ter898= (NM_001323985.2); c.2616_*44dup, p.Met872_Ter876= (NM_001323986.2); c.1464_*44dup, p.Met488_Ter492= (NM_001324001.1); and 3 more.
Identifiers: ClinVar variation 1508452 (VCV001508452.6), dbSNP rs2150360604, ClinGen allele CA2573139175.

ClinVar aggregate classification (germline): Uncertain significance (1 of 4 stars; one submission).

Submission:

Labcorp Genetics (formerly Invitae), Labcorp
Classification: Uncertain significance. Last evaluated: 2021-06-13. Review status: criteria provided, single submitter. Criteria: Invitae Variant Classification Sherloc (09022015). Collection method: clinical testing. Allele origin: germline.
Comment: This variant is not present in population databases (ExAC no frequency). This variant occurs in a non-coding region of the CTNNA1 gene. It does not change the encoded amino acid sequence of the CTNNA1 protein. In summary, the available evidence is currently insufficient to determine the role of this variant in disease. Therefore, it has been classified as a Variant of Uncertain Significance. Algorithms developed to predict the effect of sequence changes on RNA splicing suggest that this variant may create or strengthen a splice site, but this prediction has not been confirmed by published transcriptional studies. This variant has not been reported in the literature in individuals with CTNNA1-related conditions.